The following is an entry in ClinVar:

ClinVar aggregate classification (germline): Uncertain significance (1 of 4 stars; one submission).

Submission:

Labcorp Genetics (formerly Invitae), Labcorp
Classification: Uncertain significance. Last evaluated: 2022-06-07. Review status: criteria provided, single submitter. Criteria: Invitae Variant Classification Sherloc (09022015). Collection method: clinical testing. Allele origin: germline.
Comment: This variant results in a copy number gain of the genomic region encompassing exon(s) 1-9 of the PCSK1 gene. This region includes the initiator codon of the gene. This copy number gain extends beyond the assayed region for this gene and therefore may encompass additional genes. As the precise location of this event is unknown, it may be in tandem or it may be located elsewhere in the genome. In summary, the available evidence is currently insufficient to determine the role of this variant in disease. Therefore, it has been classified as a Variant of Uncertain Significance. This variant has not been reported in the literature in individuals affected with PCSK1-related conditions.

NC_000005.9:g.(?_95743907)_(95768746_?)dup

Gene: PCSK1 (proprotein convertase subtilisin/kexin type 1; minus strand). Cytogenetic location: 5q15.
Variant type: Duplication.
Identifiers: ClinVar variation 2423088 (VCV002423088.4).